The following is an entry in ClinVar:

ClinVar aggregate classification (germline): Uncertain significance (1 of 4 stars; one submission).

Allele frequency attached by ClinVar (database versions not stated): ExAC 0.00002; gnomAD 0.00005; gnomAD exomes 0.00006.
gnomAD v4.1: 40 of 1,614,022 alleles (0.0025%); highest among the groups gnomAD compares: Non-Finnish European, 0.00025%; no homozygotes.

Submission:

Labcorp Genetics (formerly Invitae), Labcorp
Classification: Uncertain significance. Last evaluated: 2022-02-18. Review status: criteria provided, single submitter. Criteria: Invitae Variant Classification Sherloc (09022015). Collection method: clinical testing. Allele origin: germline.
Comment: This variant has not been reported in the literature in individuals affected with COX10-related conditions. This sequence change replaces aspartic acid, which is acidic and polar, with glutamic acid, which is acidic and polar, at codon 152 of the COX10 protein (p.Asp152Glu). This variant is present in population databases (rs775044944, gnomAD 0.07%). Algorithms developed to predict the effect of missense changes on protein structure and function (SIFT, PolyPhen-2, Align-GVGD) all suggest that this variant is likely to be tolerated. In summary, the available evidence is currently insufficient to determine the role of this variant in disease. Therefore, it has been classified as a Variant of Uncertain Significance.

NM_001303.4(COX10):c.456T>G (p.Asp152Glu)

Gene: COX10 (cytochrome c oxidase assembly factor heme A:farnesyltransferase COX10; plus strand). Cytogenetic location: 17p12.
Variant type: single nucleotide variant.
Coding change: c.456T>G on transcript NM_001303.4 (MANE Select); coding-DNA position 456, T replaced by G.
Protein change: p.Asp152Glu; replaces aspartic acid 152 with glutamic acid.
Molecular consequence: missense variant.
Genome position (GRCh38, 1-based): chr17:14,077,013, T>G. VCF-style: chr17-14077013-T-G. GRCh37 (hg19) VCF-style: chr17-13980330-T-G.
Other names: short protein forms D152E.
Identifiers: ClinVar variation 2098996 (VCV002098996.4), dbSNP rs775044944, ClinGen allele CA8402315.